The following is an entry in ClinVar:

NM_032043.3(BRIP1):c.398C>G (p.Thr133Ser)

Gene: BRIP1 (BRCA1 interacting DNA helicase 1; minus strand). Cytogenetic location: 17q23.2.
Variant type: single nucleotide variant.
Coding change: c.398C>G on transcript NM_032043.3 (MANE Select); coding-DNA position 398, C replaced by G.
Protein change: p.Thr133Ser; replaces threonine 133 with serine.
Molecular consequence: missense variant.
Genome position (GRCh38, 1-based): chr17:61,849,238, G>C on the plus strand (C>G on the coding strand, the complement: BRIP1 is on the minus strand). VCF-style: chr17-61849238-G-C. GRCh37 (hg19) VCF-style: chr17-59926599-G-C.
Other names: short protein forms T133S.
Identifiers: ClinVar variation 1736754 (VCV001736754.7), dbSNP rs1793750522, ClinGen allele CA400484581.

ClinVar aggregate classification (germline): Uncertain significance. Review status: criteria provided, multiple submitters, no conflicts (2 of 4 stars). 2 submissions from 2 submitters: Uncertain significance (2). Last evaluated 2022-01-11.

Conditions:
Hereditary cancer-predisposing syndrome. Also called: Neoplastic Syndromes, Hereditary; Tumor predisposition; Hereditary Cancer Syndrome; Hereditary neoplastic syndrome. Identifiers: Orphanet 140162, MedGen C0027672, MeSH D009386, MONDO:0015356.
Fanconi anemia complementation group J. Also called: BRIP1-Related Fanconi Anemia. Identifiers: Orphanet 84, MedGen C1836860, MONDO:0012187, OMIM 609054.
Familial cancer of breast. Also called: BREAST CANCER, FAMILIAL; Hereditary breast cancer; hereditary breast carcinoma. Identifiers: Orphanet 227535, MedGen C0346153, MONDO:0016419, OMIM 114480. Disease mechanism: loss of function.

Submissions (2):

Labcorp Genetics (formerly Invitae), Labcorp
Classification: Uncertain significance for Familial cancer of breast; Fanconi anemia complementation group J. Last evaluated: 2022-01-11. Review status: criteria provided, single submitter. Criteria: Invitae Variant Classification Sherloc (09022015). Collection method: clinical testing. Allele origin: germline.
Comment: This sequence change replaces threonine, which is neutral and polar, with serine, which is neutral and polar, at codon 133 of the BRIP1 protein (p.Thr133Ser). This variant is not present in population databases (gnomAD no frequency). This variant has not been reported in the literature in individuals affected with BRIP1-related conditions. Algorithms developed to predict the effect of missense changes on protein structure and function output the following: SIFT: "Tolerated"; PolyPhen-2: "Benign"; Align-GVGD: "Class C0". The serine amino acid residue is found in multiple mammalian species, which suggests that this missense change does not adversely affect protein function. In summary, the available evidence is currently insufficient to determine the role of this variant in disease. Therefore, it has been classified as a Variant of Uncertain Significance.

Ambry Genetics
Classification: Uncertain significance for Hereditary cancer-predisposing syndrome. Last evaluated: 2020-12-09. Review status: criteria provided, single submitter. Criteria: Ambry Variant Classification Scheme 2023. Collection method: clinical testing. Allele origin: germline.
Comment: The p.T133S variant (also known as c.398C>G), located in coding exon 4 of the BRIP1 gene, results from a C to G substitution at nucleotide position 398. The threonine at codon 133 is replaced by serine, an amino acid with similar properties. This amino acid position is well conserved in available vertebrate species; however, serine is the reference amino acid in other vertebrate species. In addition, this alteration is predicted to be tolerated by in silico analysis. Since supporting evidence is limited at this time, the clinical significance of this alteration remains unclear.